The following is an entry in ClinVar:

NM_000046.5(ARSB):c.556G>A (p.Ala186Thr)

Gene: ARSB (arylsulfatase B; minus strand). Cytogenetic location: 5q14.1.
Variant type: single nucleotide variant.
Coding change: c.556G>A on transcript NM_000046.5 (MANE Select); coding-DNA position 556, G replaced by A.
Protein change: p.Ala186Thr; replaces alanine 186 with threonine.
Molecular consequence: missense variant.
Genome position (GRCh38, 1-based): chr5:78,964,550, C>T on the plus strand (G>A on the coding strand, the complement: ARSB is on the minus strand). VCF-style: chr5-78964550-C-T. GRCh37 (hg19) VCF-style: chr5-78260373-C-T.
Other names: p.Ala186Thr; c.556G>A, p.Ala186Thr (NM_198709.3); c.556G>A (NM_000046.3); short protein forms A186T.
Identifiers: ClinVar variation 2153232 (VCV002153232.3), dbSNP rs867585406, ClinGen allele CA121104198.

ClinVar aggregate classification (germline): Uncertain significance. Review status: criteria provided, multiple submitters, no conflicts (2 of 4 stars). 3 submissions from 3 submitters: Uncertain significance (3). Last evaluated 2023-06-27.

Conditions:
Mucopolysaccharidosis type 6 (MPS6). Also called: MPS VI; ARSB DEFICIENCY; ARYLSULFATASE B DEFICIENCY; MPS 6; Maroteaux Lamy syndrome; N-ACETYLGALACTOSAMINE-4-SULFATASE DEFICIENCY. Identifiers: Orphanet 583, MedGen C0026709, MONDO:0009661, OMIM 253200.
Inborn genetic diseases. Identifiers: MedGen C0950123, MeSH D030342.

Allele frequency attached by ClinVar (database versions not stated): gnomAD exomes below 0.00001; TOPMed 0.00001.
gnomAD v4.1: 6 of 1,613,956 alleles (0.00037%); highest among the groups gnomAD compares: East Asian, 0.0022%; no homozygotes.

Submissions (3):

Mayo Clinic Laboratories, Mayo Clinic
Classification: Uncertain significance. Last evaluated: 2023-06-27. Review status: criteria provided, single submitter. Criteria: ACMG Guidelines, 2015. Collection method: clinical testing. Allele origin: germline. Observed: 1 variant allele.

Ambry Genetics
Classification: Uncertain significance for Inborn genetic diseases. Last evaluated: 2022-05-04. Review status: criteria provided, single submitter. Criteria: Ambry Variant Classification Scheme 2023. Collection method: clinical testing. Allele origin: germline.

Labcorp Genetics (formerly Invitae), Labcorp
Classification: Uncertain significance for Mucopolysaccharidosis type 6. Last evaluated: 2021-08-28. Review status: criteria provided, single submitter. Criteria: Invitae Variant Classification Sherloc (09022015). Collection method: clinical testing. Allele origin: germline.
Comment: This sequence change replaces alanine with threonine at codon 186 of the ARSB protein (p.Ala186Thr). The alanine residue is moderately conserved and there is a small physicochemical difference between alanine and threonine. This variant is not present in population databases (ExAC no frequency). This variant has not been reported in the literature in individuals affected with ARSB-related conditions. Algorithms developed to predict the effect of missense changes on protein structure and function (SIFT, PolyPhen-2, Align-GVGD) all suggest that this variant is likely to be tolerated. In summary, the available evidence is currently insufficient to determine the role of this variant in disease. Therefore, it has been classified as a Variant of Uncertain Significance.